The following is an entry in ClinVar:

NM_001303256.3(MORC2):c.707A>G (p.Glu236Gly)

Gene: MORC2 (MORC family CW-type zinc finger 2; minus strand). Cytogenetic location: 22q12.2.
Variant type: single nucleotide variant.
Coding change: c.707A>G on transcript NM_001303256.3 (MANE Select); coding-DNA position 707, A replaced by G.
Protein change: p.Glu236Gly; replaces glutamic acid 236 with glycine.
Molecular consequence: missense variant.
Genome position (GRCh38, 1-based): chr22:30,941,550, T>C on the plus strand (A>G on the coding strand, the complement: MORC2 is on the minus strand). VCF-style: chr22-30941550-T-C. GRCh37 (hg19) VCF-style: chr22-31337537-T-C.
Other names: c.707A>G, p.Glu236Gly (NM_001303257.2); c.521A>G, p.Glu174Gly (NM_014941.3); short protein forms E236G, E174G.
Identifiers: ClinVar variation 254251 (VCV000254251.15), dbSNP rs886037934, ClinGen allele CA10586383.

ClinVar aggregate classification (germline): Pathogenic/Likely pathogenic. Review status: criteria provided, multiple submitters, no conflicts (2 of 4 stars). 4 submissions from 4 submitters: Pathogenic (1); Likely pathogenic (1). 2 of the submissions do not count toward it. Last evaluated 2025-02-07.

Conditions:
Charcot-Marie-Tooth disease axonal type 2Z. Also called: CHARCOT-MARIE-TOOTH DISEASE, AXONAL, AUTOSOMAL DOMINANT, TYPE 2Z; CHARCOT-MARIE-TOOTH NEUROPATHY, TYPE 2Z. Identifiers: Orphanet 466768, MedGen C5569025, MONDO:0014736, OMIM 616688.
Charcot-Marie-Tooth disease. Also called: Charcot-Marie-Tooth Hereditary Neuropathy; Charcot-Marie-Tooth Neuropathy. Identifiers: Orphanet 166, MedGen C0007959, MONDO:0015626.

Submissions (4):

3billion
Classification: Likely pathogenic for Charcot-Marie-Tooth disease axonal type 2Z. Last evaluated: 2025-02-07. Review status: criteria provided, single submitter. Criteria: ACMG Guidelines, 2015. Collection method: clinical testing. Allele origin: germline. Affected: yes.
Comment: The variant is not observed in the gnomAD v4.1.0 dataset. Predicted Consequence/Location: Missense variant. Missense changes are a common disease-causing mechanism. In silico tool predictions suggest damaging effect of the variant on gene or gene product [3Cnet: 0.88 (>=0.6, sensitivity 0.72 and precision 0.9)]. The same nucleotide change resulting in the same amino acid change has been previously reported as pathogenic/likely pathogenic with strong evidence (ClinVar ID: VCV000254251 /PMID: 26659848). A different missense change at the same codon (p.Glu236Ala) has been reported to be associated with MORC2-related disorder (ClinVar ID: VCV000871542). Therefore, this variant is classified as Likely pathogenic according to the recommendation of ACMG/AMP guideline.

Labcorp Genetics (formerly Invitae), Labcorp
Classification: Pathogenic for Charcot-Marie-Tooth disease axonal type 2Z. Last evaluated: 2024-01-19. Review status: criteria provided, single submitter. Criteria: Invitae Variant Classification Sherloc (09022015). Collection method: clinical testing. Allele origin: germline.
Comment: This sequence change replaces glutamic acid, which is acidic and polar, with glycine, which is neutral and non-polar, at codon 236 of the MORC2 protein (p.Glu236Gly). This variant is not present in population databases (gnomAD no frequency). This missense change has been observed in individuals with Charcot-Marie-Tooth disease type 2 (PMID: 26659848; Invitae). This variant is also known as c.521A>G (p.Glu174Gly). ClinVar contains an entry for this variant (Variation ID: 254251). Advanced modeling of protein sequence and biophysical properties (such as structural, functional, and spatial information, amino acid conservation, physicochemical variation, residue mobility, and thermodynamic stability) performed at Invitae indicates that this missense variant is expected to disrupt MORC2 protein function with a positive predictive value of 95%. For these reasons, this variant has been classified as Pathogenic.

Genesis Genome Database
Classification: Uncertain significance for Charcot-Marie-Tooth disease. Last evaluated: 2019-08-14. Review status: no assertion criteria provided. Collection method: research. Allele origin: germline. Affected: yes. Not counted in ClinVar's aggregate classification.

OMIM
Classification: Pathogenic for CHARCOT-MARIE-TOOTH DISEASE, AXONAL, TYPE 2Z. Last evaluated: 2017-08-04. Review status: no assertion criteria provided. Collection method: literature only. Allele origin: germline. Not counted in ClinVar's aggregate classification.

Literature cited by the submitters: PubMed 26659848 (cited by 3 submitters).